The following is an entry in ClinVar:

NC_000014.9:g.(?_23390047)_(23420244_?)dup

Genes: MIR208B (microRNA 208b; minus strand), MYH6 (myosin heavy chain 6; minus strand), MYH7 (myosin heavy chain 7; minus strand). Cytogenetic location: 14q11.2.
Variant type: Duplication.
Identifiers: ClinVar variation 831948 (VCV000831948.1).

ClinVar aggregate classification (germline): Uncertain significance (1 of 4 stars; one submission).

Conditions:
Hypertrophic cardiomyopathy. Also called: HYPERTROPHIC MYOCARDIOPATHY. Identifiers: Orphanet 217569, MedGen C0007194, MeSH D002312, MONDO:0005045, HP:0001639.

Submission:

Labcorp Genetics (formerly Invitae), Labcorp
Classification: Uncertain significance for Hypertrophic cardiomyopathy. Last evaluated: 2019-10-18. Review status: criteria provided, single submitter. Criteria: Invitae Variant Classification Sherloc (09022015). Collection method: clinical testing. Allele origin: germline.
Comment: This variant results in a copy number gain of the genomic region encompassing exons 27-40 of the MYH7 gene. The 5' boundary is likely confined to intron 26. The 3' end of this event is unknown as it extends beyond the assayed region for this gene and therefore may encompass additional genes. As the precise location of this event is unknown, it may be in tandem or it may be located elsewhere in the genome. This variant has not been reported in the literature in individuals with MYH7-related disease. Experimental studies are not available for this variant, and the functional significance of a copy number gain of these exons is currently unknown. In summary, the available evidence is currently insufficient to determine the role of this variant in disease. Therefore, it has been classified as a Variant of Uncertain Significance.